The following is an entry in ClinVar:

ClinVar aggregate classification (germline): Uncertain significance (1 of 4 stars; one submission).

gnomAD v4.1: 4 of 1,613,998 alleles (0.00025%); highest among the groups gnomAD compares: South Asian, 0.0022%; no homozygotes.

Submission:

Labcorp Genetics (formerly Invitae), Labcorp
Classification: Uncertain significance. Last evaluated: 2025-09-23. Review status: criteria provided, single submitter. Criteria: Invitae Variant Classification Sherloc (09022015). Collection method: clinical testing. Allele origin: germline.
Comment: This sequence change replaces proline, which is neutral and non-polar, with serine, which is neutral and polar, at codon 75 of the COL4A1 protein (p.Pro75Ser). This variant is not present in population databases (gnomAD no frequency). This variant has not been reported in the literature in individuals affected with COL4A1-related conditions. Invitae Evidence Modeling of protein sequence and biophysical properties (such as structural, functional, and spatial information, amino acid conservation, physicochemical variation, residue mobility, and thermodynamic stability) indicates that this missense variant is not expected to disrupt COL4A1 protein function with a negative predictive value of 95%. In summary, the available evidence is currently insufficient to determine the role of this variant in disease. Therefore, it has been classified as a Variant of Uncertain Significance.

NM_001845.6(COL4A1):c.223C>T (p.Pro75Ser)

Gene: COL4A1 (collagen type IV alpha 1 chain; minus strand). Cytogenetic location: 13q34.
Variant type: single nucleotide variant.
Coding change: c.223C>T on transcript NM_001845.6 (MANE Select); coding-DNA position 223, C replaced by T.
Protein change: p.Pro75Ser; replaces proline 75 with serine.
Molecular consequence: missense variant.
Genome position (GRCh38, 1-based): chr13:110,213,937, G>A on the plus strand (C>T on the coding strand, the complement: COL4A1 is on the minus strand). VCF-style: chr13-110213937-G-A. GRCh37 (hg19) VCF-style: chr13-110866284-G-A.
Other names: c.223C>T, p.Pro75Ser (NM_001303110.2); short protein forms P75S.
Identifiers: ClinVar variation 4759591 (VCV004759591.1).
Genomic context (GRCh38, chr13:110,213,937, plus strand): 5'-TGCGGGCAATCTTACATCCACCCACCCCCAATCCCACAGCCGTGCTTACCTTTTGTCCTG[G>A]TGGTCCCTGTGGCCCCTCAGGTCCTTGCATTCCAGGAAACCCAATGACACCTTGTAACCC-3'
Protein context (NP_001836.3, residues 65-85): MQGPEGPQGP[Pro75Ser]GQKGDTGEPG